The following is an entry in ClinVar:

NM_032888.4(COL27A1):c.2880+1G>A

Gene: COL27A1 (collagen type XXVII alpha 1 chain; plus strand). Cytogenetic location: 9q32.
Variant type: single nucleotide variant.
Coding change: c.2880+1G>A on transcript NM_032888.4 (MANE Select); the canonical splice donor site of the intron after coding-DNA position 2880, G replaced by A.
Molecular consequence: splice donor variant.
Genome position (GRCh38, 1-based): chr9:114,242,232, G>A. VCF-style: chr9-114242232-G-A. GRCh37 (hg19) VCF-style: chr9-117004512-G-A.
Identifiers: ClinVar variation 1502215 (VCV001502215.8), dbSNP rs1832811905, ClinGen allele CA374591296.

ClinVar aggregate classification (germline): Likely pathogenic (1 of 4 stars; one submission).

Submission:

Labcorp Genetics (formerly Invitae), Labcorp
Classification: Likely pathogenic. Last evaluated: 2021-02-27. Review status: criteria provided, single submitter. Criteria: Invitae Variant Classification Sherloc (09022015). Collection method: clinical testing. Allele origin: germline.
Comment: Algorithms developed to predict the effect of sequence changes on RNA splicing suggest that this variant may disrupt the consensus splice site, but this prediction has not been confirmed by published transcriptional studies. This variant has not been reported in the literature in individuals with COL27A1-related conditions. This variant is not present in population databases (ExAC no frequency). This sequence change affects a donor splice site in intron 22 of the COL27A1 gene. It is expected to disrupt RNA splicing. Variants that disrupt the donor or acceptor splice site typically lead to a loss of protein function (PMID: 16199547), and loss-of-function variants in COL27A1 are known to be pathogenic (PMID: 24986830, 28276056). In summary, the currently available evidence indicates that the variant is pathogenic, but additional data are needed to prove that conclusively. Therefore, this variant has been classified as Likely Pathogenic.

Literature cited by the submitters: PubMed 16199547; PubMed 24986830; PubMed 28276056.